The following is an entry in ClinVar:

NM_001267550.2(TTN):c.61921C>T (p.Arg20641Ter)

Genes: TTN (titin; minus strand), TTN-AS1 (TTN antisense RNA 1; plus strand). Cytogenetic location: 2q31.2.
Variant type: single nucleotide variant.
Coding change: c.61921C>T on transcript NM_001267550.2 (MANE Select); coding-DNA position 61921, C replaced by T.
Protein change: p.Arg20641Ter; replaces arginine 20641 with a stop codon.
Molecular consequence: nonsense.
Genome position (GRCh38, 1-based): chr2:178,589,804, G>A on the plus strand (C>T on the coding strand, the complement: TTN is on the minus strand). VCF-style: chr2-178589804-G-A. GRCh37 (hg19) VCF-style: chr2-179454531-G-A.
Other names: NM_001267550.2(TTN):c.61921C>T; p.Arg20641Ter; c.56998C>T, p.Arg19000Ter (NM_001256850.1); c.34726C>T, p.Arg11576Ter (NM_003319.4); c.54217C>T, p.Arg18073Ter (NM_133378.4); c.35101C>T, p.Arg11701Ter (NM_133432.3); c.35302C>T, p.Arg11768Ter (NM_133437.4); c.61921C>T (NM_001267550.1); short protein forms R20641*, R11576*, R11701*, R19000*, R11768*, R18073*.
Identifiers: ClinVar variation 238819 (VCV000238819.20), dbSNP rs878854324, ClinGen allele CA10581854.

ClinVar aggregate classification (germline): Pathogenic/Likely pathogenic. Review status: criteria provided, multiple submitters, no conflicts (2 of 4 stars). 8 submissions from 8 submitters: Pathogenic (5); Likely pathogenic (3). Last evaluated 2025-11-06.

Conditions:
TTN-related disorder. Also called: TTN-related disorders; TTN-related condition; TTN-related disease.
Cardiovascular phenotype. Identifiers: MedGen CN230736.
Dilated cardiomyopathy 1G (CMD1G). Identifiers: Orphanet 154, MedGen C1858763, MONDO:0011400, OMIM 604145.
Autosomal recessive limb-girdle muscular dystrophy type 2J (LGMDR10). Also called: MUSCULAR DYSTROPHY, LIMB-GIRDLE, AUTOSOMAL RECESSIVE 10; Limb-girdle muscular dystrophy, type 2J. Identifiers: Orphanet 140922, MedGen C1837342, MONDO:0012127, OMIM 608807.
Early-onset myopathy with fatal cardiomyopathy (CMYO5). Also called: CONGENITAL MYOPATHY 5 WITH CARDIOMYOPATHY; Salih Myopathy. Identifiers: Orphanet 289377, MedGen C2673677, MONDO:0012714, OMIM 611705. Disease mechanism: loss of function.
Tibial muscular dystrophy (TMD). Also called: Udd Distal Myopathy – Tibial Muscular Dystrophy; UDD MYOPATHY; Tibial muscular dystrophy, tardive. Identifiers: Orphanet 609, MedGen C1838244, MONDO:0010870, OMIM 600334.
Hypertrophic cardiomyopathy 9. Also called: Familial hypertrophic cardiomyopathy 9. Identifiers: MedGen C1861065, MONDO:0013412, OMIM 613765.
Myopathy, myofibrillar, 9, with early respiratory failure (MFM9). Also called: EDSTROM MYOPATHY; Hereditary myopathy with early respiratory failure; MYOPATHY, PROXIMAL, WITH EARLY RESPIRATORY MUSCLE INVOLVEMENT; Myopathy, distal, with early respiratory failure, autosomal dominant. Identifiers: Orphanet 178464, Orphanet 34521, MedGen C1863599, MONDO:0011362, OMIM 603689.

Allele frequency attached by ClinVar (database versions not stated): gnomAD 0.00001.
gnomAD v4.1: 2 of 1,613,380 alleles (0.00012%); highest among the groups gnomAD compares: African/African-American, 0.0013%; no homozygotes.

Submissions (8):

Labcorp Genetics (formerly Invitae), Labcorp
Classification: Pathogenic for Dilated cardiomyopathy 1G; Autosomal recessive limb-girdle muscular dystrophy type 2J. Last evaluated: 2025-11-06. Review status: criteria provided, single submitter. Criteria: Invitae Variant Classification Sherloc (09022015). Collection method: clinical testing. Allele origin: germline.
Comment: This sequence change creates a premature translational stop signal (p.Arg20641*) in the TTN gene. While this is not anticipated to result in nonsense mediated decay, it is expected to create a truncated TTN protein. This variant is not present in population databases (gnomAD no frequency). This premature translational stop signal has been observed in individuals with dilated cardiomyopathy (PMID: 29540472, 33996946, 34315225; internal data). ClinVar contains an entry for this variant (Variation ID: 238819). This variant is located in the A band of TTN (PMID: 25589632). Truncating variants in this region are significantly overrepresented in patients affected with dilated cardiomyopathy (PMID: 25589632). Truncating variants in this region have also been reported in individuals affected with autosomal recessive centronuclear myopathy (PMID: 23975875). For these reasons, this variant has been classified as Pathogenic.

Molecular Diagnostic Laboratory for Inherited Cardiovascular Disease, Montreal Heart Institute
Classification: Pathogenic for Cardiovascular phenotype. Last evaluated: 2025-02-11. Review status: criteria provided, single submitter. Criteria: ACMG Guidelines, 2015. Collection method: clinical testing. Allele origin: germline. Affected: yes.
Comment: PVS1, PM2, PS4_supp

ARUP Laboratories, Molecular Genetics and Genomics, ARUP Laboratories
Classification: Likely pathogenic. Last evaluated: 2024-11-06. Review status: criteria provided, single submitter. Criteria: ARUP Molecular Germline Variant Investigation Process 2024. Collection method: clinical testing. Allele origin: germline.
Comment: The TTN c.61921C>T; p.Arg20641Ter variant (rs878854324, ClinVar Variation ID: 238819) is reported in the literature in individuals affected with dilated cardiomyopathy (Hazebroek 2018, Verdonschot 2020, Xiao 2021). This variant is absent from the Genome Aggregation Database (v2.1.1), indicating it is not a common polymorphism. This variant induces an early termination codon and is predicted to result in a truncated protein or mRNA subject to nonsense-mediated decay. This variant is in an exon that is spliced into 100% of TTN transcripts and encodes a segment of the A-band, which is a region that is enriched for pathogenic truncating variants in individuals with dilated cardiomyopathy (Roberts 2015, Herman 2012). Based on available information, this variant is considered to be likely pathogenic. References: Begay RL et al. Role of Titin Missense Variants in Dilated Cardiomyopathy. J Am Heart Assoc. 2015 Nov 13;4(11). PMID: 26567375. Hazebroek MR et al. Prevalence of Pathogenic Gene Mutations and Prognosis Do Not Differ in Isolated Left Ventricular Dysfunction Compared With Dilated Cardiomyopathy. Circ Heart Fail. 2018 Mar;11(3):e004682. PMID: 29540472. Herman DS et al. Truncations of titin causing dilated cardiomyopathy. N Engl J Med. 2012 Feb 16;366(7):619-28. PMID: 22335739. Linke WA and Hamdani N. Gigantic business: titin properties and function through thick and thin. Circ Res 2014; 114(6): 1052-1068. PMID: 24625729. Roberts AM et al. Integrated allelic, transcriptional, and phenomic dissection of the cardiac effects of titin truncations in health and disease. Sci Transl Med. 2015 Jan 14;7(270):270ra6. PMID: 25589632. Verdonschot JAJ et al. Implications of Genetic Testing in Dilated Cardiomyopathy. Circ Genom Precis Med. 2020 Oct;13(5):476-487. PMID: 32880476. Xiao L et al. Clinical Significance of Variants in the TTN Gene in a Large Cohort of Patients With Sporadic Dilated Cardiomyopathy. Front Cardiovasc Med. 2021 Apr 30;8:657689. PMID: 33996946.

Ambry Genetics
Classification: Pathogenic for Cardiovascular phenotype. Last evaluated: 2024-06-07. Review status: criteria provided, single submitter. Criteria: Ambry Variant Classification Scheme 2023. Collection method: clinical testing. Allele origin: germline.
Comment: The p.R11576* pathogenic mutation (also known as c.34726C>T), located in coding exon 131 of the TTN gene, results from a C to T substitution at nucleotide position 34726. This changes the amino acid from an arginine to a stop codon within coding exon 131. This exon is located in the A-band region of the N2-B isoform of the titin protein and is constitutively expressed in TTN transcripts (percent spliced in or PSI 100%). This variant is considered to be rare based on population cohorts in the Genome Aggregation Database (gnomAD). This variant (also referred to as p.R20641*, c.61921C>T) has been detected in individuals from dilated cardiomyopathy cohorts (Enriquez A et al. Circ Arrhythm Electrophysiol, 2021 Sep;14:e010006; Zhao Y et al. Signal Transduct Target Ther, 2023 Jun;8:226). This alteration is expected to result in loss of function by premature protein truncation or nonsense-mediated mRNA decay. While truncating variants in TTN are present in 1-3% of the general population, truncating variants in the A-band are the most common cause of dilated cardiomyopathy (DCM) (Herman DS et al. N. Engl. J. Med., 2012 Feb;366:619-28; Roberts AM et al. Sci Transl Med, 2015 Jan;7:270ra6). TTN truncating variants encoded in constitutive exons (PSI >90%) have been found to be significantly associated with DCM regardless of their position in titin (Schafer S et al. Nat. Genet., 2017 01;49:46-53). Based on the supporting evidence, this variant is interpreted as a disease-causing mutation.

Broad Center for Mendelian Genomics, Broad Institute of MIT and Harvard
Classification: Likely pathogenic for Autosomal recessive limb-girdle muscular dystrophy type 2J. Last evaluated: 2023-05-02. Review status: criteria provided, single submitter. Criteria: ACMG Guidelines, 2015. Collection method: curation. Allele origin: germline.
Comment: Trio exome analysis revealed that this variant was in trans with a variant of uncertain significance (ClinVar Variation ID: 1304094). The p.Arg20641Ter variant in TTN has not been previously reported in individuals with limb girdle muscular dystrophy 10 but has been identified in 0.002% (1/41434) of African/African American chromosomes by the Genome Aggregation Database (gnomAD; dbSNP ID: rs878854324). Although this variant has been seen in the general population in a heterozygous state, its frequency is low enough to be consistent with a recessive carrier frequency. This variant has also been reported in ClinVar (Variation ID: 238819) and has been interpreted as pathogenic by GeneDx and as likely pathogenic by Ambry and Invitae. This nonsense variant leads to a premature termination codon at position 20641, which is predicted to lead to a truncated or absent protein. Loss of function of the TTN gene is an established disease mechanism in autosomal recessive limb girdle muscular dystrophy 10. In summary, although additional studies are required to fully establish its clinical significance, this variant is likely pathogenic for limb girdle muscular dystrophy 10. ACMG/AMP Criteria applied: PVS1, PM2_Supporting (Richards 2015).

Blueprint Genetics
Classification: Pathogenic for TTN-related disorders. Last evaluated: 2023-03-02. Review status: criteria provided, single submitter. Criteria: ACMG Guidelines, 2015. Collection method: clinical testing. Allele origin: germline. Affected: yes. Observed: 1 variant allele.

GeneDx
Classification: Pathogenic. Last evaluated: 2022-03-27. Review status: criteria provided, single submitter. Criteria: GeneDx Variant Classification Process June 2021. Collection method: clinical testing. Allele origin: germline. Affected: yes.
Comment: Reported in a patient with dilated cardiomyopathy, however, additional detailed clinical information and segregation analysis were not provided (Haebroek et al., 2018); Not observed at significant frequency in large population cohorts (gnomAD); Located in the A-band region of the TTN gene, where the majority of truncating pathogenic variants associated with dilated cardiomyopathy have been reported (Herman et al., 2012); Nonsense variant predicted to result in protein truncation or nonsense mediated decay in a gene for which loss-of-function is a known mechanism of disease; This variant is associated with the following publications: (PMID: 25589632, 11717165, 23518707, 23418287, 1745277, 24395473, 22335739, 12145747, 18948003, 21810661, 17444505, 24105469, 32880476, 34315225, 29540472)

Juno Genomics, Hangzhou Juno Genomics, Inc
Classification: Likely pathogenic for Early-onset myopathy with fatal cardiomyopathy; Dilated cardiomyopathy 1G; Hypertrophic cardiomyopathy 9; Autosomal recessive limb-girdle muscular dystrophy type 2J; Myopathy, myofibrillar, 9, with early respiratory failure; Tibial muscular dystrophy. Review status: criteria provided, single submitter. Criteria: ACMG Guidelines, 2015. Collection method: clinical testing. Allele origin: germline.
Comment: Null variant in a gene where loss of function (LOF) is a known mechanism of disease.;Absent from controls (or at extremely low frequency if recessive) in Genome Aggregation Database.

Literature cited by the submitters: PubMed 29540472 (cited by Labcorp Genetics (formerly Invitae), Labcorp); PubMed 33996946 (cited by Labcorp Genetics (formerly Invitae), Labcorp); PubMed 34315225 (cited by Labcorp Genetics (formerly Invitae), Labcorp and Ambry Genetics); PubMed 25589632 (cited by Labcorp Genetics (formerly Invitae), Labcorp); PubMed 23975875 (cited by Labcorp Genetics (formerly Invitae), Labcorp); PubMed 37291118 (cited by Ambry Genetics).